The following is an entry in ClinVar:

NM_002087.4(GRN):c.1414-5G>A

Gene: GRN (granulin precursor; plus strand). Cytogenetic location: 17q21.31.
Variant type: single nucleotide variant.
Coding change: c.1414-5G>A on transcript NM_002087.4 (MANE Select); 5 bases into the intron before coding-DNA position 1414, G replaced by A.
Molecular consequence: intron variant.
Genome position (GRCh38, 1-based): chr17:44,352,336, G>A. VCF-style: chr17-44352336-G-A. GRCh37 (hg19) VCF-style: chr17-42429704-G-A.
Identifiers: ClinVar variation 3571961 (VCV003571961.3).

ClinVar aggregate classification (germline): Conflicting classifications of pathogenicity. Review status: criteria provided, conflicting classifications (1 of 4 stars). 3 submissions from 3 submitters: Uncertain significance (2); Likely benign (1). Last evaluated 2025-03-03.

Conditions:
Inborn genetic diseases. Identifiers: MedGen C0950123, MeSH D030342.

Submissions (3):

Ambry Genetics
Classification: Uncertain significance for Inborn genetic diseases. Last evaluated: 2025-03-03. Review status: criteria provided, single submitter. Criteria: Ambry Variant Classification Scheme 2023. Collection method: clinical testing. Allele origin: germline.
Comment: The c.1414-5G>A intronic alteration consists of a G to A substitution 5 nucleotides before coding exon 11 in the GRN gene. Based on insufficient or conflicting evidence, the clinical significance of this alteration remains unclear.

Athena Diagnostics
Classification: Uncertain significance. Last evaluated: 2024-11-13. Review status: criteria provided, single submitter. Criteria: Athena Diagnostics Criteria. Collection method: clinical testing. Allele origin: unknown.
Comment: Available data are insufficient to determine the clinical significance of the variant at this time. The frequency of this variant in the general population is uninformative in assessment of its pathogenicity. Computational tools yielded predictions that this variant is unlikely to have an effect on normal RNA splicing.

Blueprint Genetics
Classification: Likely benign. Last evaluated: 2020-12-28. Review status: criteria provided, single submitter. Criteria: ACMG Guidelines, 2015. Collection method: clinical testing. Allele origin: germline.